The following is an entry in ClinVar:

NM_000038.6(APC):c.6671T>A (p.Ile2224Asn)

Gene: APC (APC regulator of Wnt signaling pathway; plus strand). Cytogenetic location: 5q22.2.
Variant type: single nucleotide variant.
Coding change: c.6671T>A on transcript NM_000038.6 (MANE Select); coding-DNA position 6671, T replaced by A.
Protein change: p.Ile2224Asn; replaces isoleucine 2224 with asparagine.
Molecular consequence: missense variant. On other transcripts: non-coding transcript variant (2).
Genome position (GRCh38, 1-based): chr5:112,842,265, T>A. VCF-style: chr5-112842265-T-A. GRCh37 (hg19) VCF-style: chr5-112177962-T-A.
Other names: c.6755T>A, p.Ile2252Asn (NM_001407446.1); c.6725T>A, p.Ile2242Asn (NM_001407447.1, NM_001407448.1, NM_001407449.1 and 1 more transcripts); c.6671T>A, p.Ile2224Asn (NM_001407450.1, NM_001127510.3, NM_001354895.2); c.6650T>A, p.Ile2217Asn (NM_001407451.1); c.6422T>A, p.Ile2141Asn (NM_001407455.1, NM_001407456.1, NM_001407457.1 and 1 more transcripts); c.6368T>A, p.Ile2123Asn (NM_001407458.1, NM_001354903.2, NM_001407459.1 and 1 more transcripts); c.6641T>A, p.Ile2214Asn (NM_001407452.1); c.6494T>A, p.Ile2165Asn (NM_001407453.1, NM_001354901.2); and 11 more; short protein forms I2098N, I2141N, I2224N, I1840N, I2196N, I2206N, I2217N, I1941N.
Identifiers: ClinVar variation 2822237 (VCV002822237.3), dbSNP rs1766272028, ClinGen allele CA16035921.

ClinVar aggregate classification (germline): Uncertain significance (1 of 4 stars; one submission).

Conditions:
Familial adenomatous polyposis 1 (FAP1). Also called: POLYPOSIS, ADENOMATOUS INTESTINAL; FAMILIAL ADENOMATOUS POLYPOSIS 1, ATTENUATED. Identifiers: MedGen C2713442, MONDO:0021056, OMIM 175100. Disease mechanism: loss of function.

Submission:

Labcorp Genetics (formerly Invitae), Labcorp
Classification: Uncertain significance for Familial adenomatous polyposis 1. Last evaluated: 2022-12-19. Review status: criteria provided, single submitter. Criteria: Invitae Variant Classification Sherloc (09022015). Collection method: clinical testing. Allele origin: germline.
Comment: In summary, the available evidence is currently insufficient to determine the role of this variant in disease. Therefore, it has been classified as a Variant of Uncertain Significance. Advanced modeling of protein sequence and biophysical properties (such as structural, functional, and spatial information, amino acid conservation, physicochemical variation, residue mobility, and thermodynamic stability) performed at Invitae indicates that this missense variant is not expected to disrupt APC protein function. This variant has not been reported in the literature in individuals affected with APC-related conditions. This variant is not present in population databases (gnomAD no frequency). This sequence change replaces isoleucine, which is neutral and non-polar, with asparagine, which is neutral and polar, at codon 2224 of the APC protein (p.Ile2224Asn).